The following is an entry in ClinVar:

ClinVar aggregate classification (germline): Uncertain significance. Review status: criteria provided, multiple submitters, no conflicts (2 of 4 stars). 2 submissions from 2 submitters: Uncertain significance (2). Last evaluated 2026-02-03.

Conditions:
Aortic aneurysm, familial thoracic 4 (AAT4). Also called: AORTIC ANEURYSM/AORTIC DISSECTION AND PATENT DUCTUS ARTERIOSUS. Identifiers: MedGen C1851504, MONDO:0007568, OMIM 132900.
Familial thoracic aortic aneurysm and aortic dissection (TAAD). Also called: Thoracic aortic aneurysms and dissections. Identifiers: Orphanet 91387, MedGen C4707243, MONDO:0019625.

Submissions (2):

Ambry Genetics
Classification: Uncertain significance for Familial thoracic aortic aneurysm and aortic dissection. Last evaluated: 2026-02-03. Review status: criteria provided, single submitter. Criteria: Ambry Variant Classification Scheme 2023. Collection method: clinical testing. Allele origin: germline.
Comment: The p.L1240P variant (also known as c.3719T>C), located in coding exon 27 of the MYH11 gene, results from a T to C substitution at nucleotide position 3719. The leucine at codon 1240 is replaced by proline, an amino acid with similar properties. This amino acid position is not well conserved in available vertebrate species. In addition, this alteration is predicted to be deleterious by in silico analysis. Based on the available evidence, the clinical significance of this variant remains unclear.

Labcorp Genetics (formerly Invitae), Labcorp
Classification: Uncertain significance for Aortic aneurysm, familial thoracic 4. Last evaluated: 2023-03-09. Review status: criteria provided, single submitter. Criteria: Invitae Variant Classification Sherloc (09022015). Collection method: clinical testing. Allele origin: germline.
Comment: In summary, the available evidence is currently insufficient to determine the role of this variant in disease. Therefore, it has been classified as a Variant of Uncertain Significance. Advanced modeling of protein sequence and biophysical properties (such as structural, functional, and spatial information, amino acid conservation, physicochemical variation, residue mobility, and thermodynamic stability) performed at Invitae indicates that this missense variant is not expected to disrupt MYH11 protein function. ClinVar contains an entry for this variant (Variation ID: 2116781). This variant has not been reported in the literature in individuals affected with MYH11-related conditions. This variant is not present in population databases (gnomAD no frequency). This sequence change replaces leucine, which is neutral and non-polar, with proline, which is neutral and non-polar, at codon 1247 of the MYH11 protein (p.Leu1247Pro).

NM_002474.3(MYH11):c.3719T>C (p.Leu1240Pro)

Gene: MYH11 (myosin heavy chain 11; minus strand). Cytogenetic location: 16p13.11.
Variant type: single nucleotide variant.
Coding change: c.3719T>C on transcript NM_002474.3 (MANE Select); coding-DNA position 3719, T replaced by C.
Protein change: p.Leu1240Pro; replaces leucine 1240 with proline.
Molecular consequence: missense variant.
Genome position (GRCh38, 1-based): chr16:15,726,987, A>G on the plus strand (T>C on the coding strand, the complement: MYH11 is on the minus strand). VCF-style: chr16-15726987-A-G. GRCh37 (hg19) VCF-style: chr16-15820844-A-G.
Other names: c.3740T>C, p.Leu1247Pro (NM_001040113.2, NM_001040114.2); c.3719T>C, p.Leu1240Pro (NM_022844.3); c.3719T>C (NM_002474.2); short protein forms L1240P, L1247P.
Identifiers: ClinVar variation 2116781 (VCV002116781.5), dbSNP rs111318460, ClinGen allele CA278609772.